The following is an entry in ClinVar:

NM_001134673.4(NFIA):c.375del (p.Val126fs)

Gene: NFIA (nuclear factor I A; plus strand). Cytogenetic location: 1p31.3.
Variant type: Deletion.
Coding change: c.375del on transcript NM_001134673.4 (MANE Select); coding-DNA position 375, one base deleted (A; older notation c.375delA).
Protein change: p.Val126fs; shifts the reading frame from valine 126.
Molecular consequence: frameshift variant.
Genome position (GRCh38, 1-based): chr1:61,088,496, A deleted; the last of 3 consecutive A bases (chr1:61,088,494-61,088,496); deleting any one gives the same sequence. VCF-style (leftmost placement, unchanged base first): chr1-61088493-TA-T. GRCh37 (hg19) VCF-style: chr1-61554165-TA-T.
Other names: c.351del, p.Val118fs (NM_001145511.2); c.510del, p.Val171fs (NM_001145512.2); c.375del, p.Val126fs (NM_005595.5); short protein forms V126fs, V118fs, V171fs.
Identifiers: ClinVar variation 4998288 (VCV004998288.1).

ClinVar aggregate classification (germline): Likely pathogenic (1 of 4 stars; one submission).

Conditions:
NFIA-Related Disorder. Also called: NFIA-related condition; NFIA-related disorders. Identifiers: MedGen CN381099.

Submission:

PreventionGenetics, part of Exact Sciences
Classification: Likely pathogenic for NFIA-related condition. Last evaluated: 2025-03-06. Review status: criteria provided, single submitter. Criteria: ACMG Guidelines, 2015. Collection method: clinical testing. Allele origin: germline.
Comment: The NFIA c.375delA variant is predicted to result in a frameshift and premature protein termination (p.Val126Serfs*9). To our knowledge, this variant has not been reported in the literature or in a large population database (gnomAD), indicating this variant is rare. Frameshift variants in NFIA are expected to be pathogenic. This variant is interpreted as likely pathogenic.